The following is an entry in ClinVar:

NM_182641.4(BPTF):c.5390C>T (p.Ala1797Val)

Gene: BPTF (bromodomain PHD finger transcription factor; plus strand). Cytogenetic location: 17q24.2.
Variant type: single nucleotide variant.
Coding change: c.5390C>T on transcript NM_182641.4 (MANE Select); coding-DNA position 5390, C replaced by T.
Protein change: p.Ala1797Val; replaces alanine 1797 with valine.
Molecular consequence: missense variant.
Genome position (GRCh38, 1-based): chr17:67,918,800, C>T. VCF-style: chr17-67918800-C-T. GRCh37 (hg19) VCF-style: chr17-65914916-C-T.
Other names: c.5768C>T, p.Ala1923Val (NM_004459.7); short protein forms A1797V, A1923V.
Identifiers: ClinVar variation 2506304 (VCV002506304.1), dbSNP rs1283300627, ClinGen allele CA400733065.
Genomic context (GRCh38, chr17:67,918,800, plus strand): 5'-TAGCTGGAGTGAGCCTGATGTTACGGTTACTGTGGGCAAGTTTGAGATGGGATGATATGG[C>T]GGCCAAGGCTCCTCCAGGAGGAGGGACTACACGGACAGGTAAGGGGGAAGGGAGTTATTT-3'
Protein context (NP_872579.2, residues 1787-1807): LWASLRWDDM[Ala1797Val]AKAPPGGGTT

ClinVar aggregate classification (germline): Uncertain significance (1 of 4 stars; one submission).

gnomAD v4.1: 7 of 1,613,350 alleles (0.00043%); highest among the groups gnomAD compares: African/African-American, 0.0013%; no homozygotes.

Submission:

Women's Health and Genetics/Laboratory Corporation of America, LabCorp
Classification: Uncertain significance. Last evaluated: 2023-05-01. Review status: criteria provided, single submitter. Criteria: LabCorp Variant Classification Summary - May 2015. Collection method: clinical testing. Allele origin: germline.
Comment: Variant summary: BPTF c.5768C>T (p.Ala1923Val) results in a non-conservative amino acid change in the encoded protein sequence. Four of five in-silico tools predict a damaging effect of the variant on protein function. The variant was absent in 251252 control chromosomes (gnomAD). The available data on variant occurrences in the general population are insufficient to allow any conclusion about variant significance. To our knowledge, no occurrence of c.5768C>T in individuals affected with Neurodevelopmental Disorder With Dysmorphic Facies And Distal Limb Anomalies and no experimental evidence demonstrating its impact on protein function have been reported. No clinical diagnostic laboratories have submitted clinical-significance assessments for this variant to ClinVar after 2014. Based on the evidence outlined above, the variant was classified as uncertain significance.